The following is an entry in ClinVar:

ClinVar aggregate classification (germline): Benign. Review status: criteria provided, multiple submitters, no conflicts (2 of 4 stars). 2 submissions from 2 submitters: Benign (2). Last evaluated 2018-06-14.

Conditions:
Wolfram syndrome 1 (WFS1). Identifiers: Orphanet 3463, MedGen C4551693, MONDO:0009101, OMIM 222300.

Allele frequency attached by ClinVar (database versions not stated): gnomAD 0.63540; TOPMed 0.65043; 1000 Genomes Project 30x 0.72658; 1000 Genomes Project 0.72784.
gnomAD v4.1: 97,344 of 152,144 alleles (64%); highest among the groups gnomAD compares: East Asian, 94%; 31,746 homozygotes.

Submissions (2):

GeneDx
Classification: Benign. Last evaluated: 2018-06-14. Review status: criteria provided, single submitter. Criteria: GeneDx Variant Classification (06012015). Collection method: clinical testing. Allele origin: germline. Affected: yes.
Comment: This variant is considered likely benign or benign based on one or more of the following criteria: it is a conservative change, it occurs at a poorly conserved position in the protein, it is predicted to be benign by multiple in silico algorithms, and/or has population frequency not consistent with disease.

Clinical Genomics, Uppaluri K&H Personalized Medicine Clinic
Classification: Benign for Wolfram syndrome 1. Review status: criteria provided, single submitter. Criteria: K & H Uppaluri Personalized Medicine Clinic Variant Classification & Assertion Criteria_Updated V.1. Collection method: research. Allele origin: unknown. Inheritance: Autosomal recessive inheritance.
Comment: Potent mutations in WFS1 gene are associated with Wolfram's syndrome, an autosomal recessive condition, which cause diabetes mellitus, diabetes insipidus, deafness and optic atrophy. However no sufficient evidence is found to ascertain the role of this particular variant rs6838400 in Wolfram's syndrome yet.

Literature cited by the submitters: PubMed 20738327 (cited by Clinical Genomics, Uppaluri K&H Personalized Medicine Clinic); PubMed 33879153 (cited by Clinical Genomics, Uppaluri K&H Personalized Medicine Clinic); PubMed 12955714 (cited by Clinical Genomics, Uppaluri K&H Personalized Medicine Clinic); PubMed 18060660 (cited by Clinical Genomics, Uppaluri K&H Personalized Medicine Clinic); PubMed 20301750 (cited by Clinical Genomics, Uppaluri K&H Personalized Medicine Clinic); PubMed 17603484 (cited by Clinical Genomics, Uppaluri K&H Personalized Medicine Clinic).

NM_006005.3(WFS1):c.713-1341C>G

Gene: WFS1 (wolframin ER transmembrane glycoprotein; plus strand). Cytogenetic location: 4p16.1.
Variant type: single nucleotide variant.
Coding change: c.713-1341C>G on transcript NM_006005.3 (MANE Select); 1341 bases into the intron before coding-DNA position 713, C replaced by G.
Molecular consequence: intron variant.
Genome position (GRCh38, 1-based): chr4:6,293,700, C>G. VCF-style: chr4-6293700-C-G. GRCh37 (hg19) VCF-style: chr4-6295427-C-G.
Other names: c.713-1341C>G (NM_001145853.1).
Identifiers: ClinVar variation 684346 (VCV000684346.2), dbSNP rs6838400, ClinGen allele CA11634638.